The following is an entry in ClinVar:

ClinVar aggregate classification (germline): Pathogenic (1 of 4 stars; one submission).

Submission:

Dasa
Classification: Pathogenic. Last evaluated: 2026-01-22. Review status: criteria provided, single submitter. Criteria: DASA Assertion Criteria. Collection method: clinical testing. Allele origin: germline.
Comment: NM_000268.4(NF2):c.1135G>T (p.Glu379*) introduces a premature termination codon predicted to result in loss of normal protein function. Loss-of-function is an established mechanism of disease for this gene. This variant has been reported in individuals with related phenotype (PMID: 30546952). The variant is present at low frequency in population datasets. Based on the available data, this variant is classified as pathogenic.

Literature cited by the submitters: PubMed 30546952.

NM_000268.4(NF2):c.1135G>T (p.Glu379Ter)

Gene: NF2 (NF2, moesin-ezrin-radixin like (MERLIN) tumor suppressor; plus strand). Cytogenetic location: 22q12.2.
Variant type: single nucleotide variant.
Coding change: c.1135G>T on transcript NM_000268.4 (MANE Select); coding-DNA position 1135, G replaced by T.
Protein change: p.Glu379Ter; replaces glutamic acid 379 with a stop codon.
Molecular consequence: nonsense. On other transcripts: intron variant (1).
Genome position (GRCh38, 1-based): chr22:29,673,281, G>T. VCF-style: chr22-29673281-G-T. GRCh37 (hg19) VCF-style: chr22-30069270-G-T.
Other names: c.1021G>T, p.Glu341Ter (NM_001407053.1, NM_001407056.1); c.1012G>T, p.Glu338Ter (NM_001407054.1, NM_001407058.1, NM_181829.3); c.1009G>T, p.Glu337Ter (NM_001407055.1, NM_181828.3); c.1000G>T, p.Glu334Ter (NM_001407057.1, NM_001407059.1); c.1135G>T, p.Glu379Ter (NM_001407060.1, NM_001407066.1, NM_016418.5 and 2 more transcripts); c.877G>T, p.Glu293Ter (NM_001407062.1); c.886G>T, p.Glu296Ter (NM_001407063.1, NM_001407064.1, NM_181830.3 and 1 more transcripts); c.601G>T, p.Glu201Ter (NM_001407065.1); and 2 more; short protein forms E201*, E293*, E296*, E302*, E334*, E337*, E338*, E341*.
Identifiers: ClinVar variation 4851996 (VCV004851996.1).
Genomic context (GRCh38, chr22:29,673,281, plus strand): 5'-GAGAACAGCACATGATCCCACTTCAGCTAAGAGCACTGTGCCCTCCAGATGCGGTCTGAG[G>T]AGACAGCTGACCTGTTGGCTGAAAAGGCCCAGATCACCGAGGAGGAGGCAAAACTTCTGG-3'